The following is an entry in ClinVar:

NM_002029.4(FPR1):c.17C>G (p.Ser6Cys)

Gene: FPR1 (formyl peptide receptor 1; minus strand). Cytogenetic location: 19q13.41.
Variant type: single nucleotide variant.
Coding change: c.17C>G on transcript NM_002029.4 (MANE Select); coding-DNA position 17, C replaced by G.
Protein change: p.Ser6Cys; replaces serine 6 with cysteine.
Molecular consequence: missense variant.
Genome position (GRCh38, 1-based): chr19:51,746,978, G>C on the plus strand (C>G on the coding strand, the complement: FPR1 is on the minus strand). VCF-style: chr19-51746978-G-C. GRCh37 (hg19) VCF-style: chr19-52250231-G-C.
Other names: c.17C>G, p.Ser6Cys (NM_001193306.2); short protein forms S6C.
Identifiers: ClinVar variation 3691864 (VCV003691864.2).
Genomic context (GRCh38, chr19:51,746,978, plus strand): 5'-TCCAGGAAGAGATAGCCAGCAGATACAGCAGGTGTCCCTCCAGAGATGTTCGTGGGGAGA[G>C]AGGAATTTGTCTCCATCTTGTCTGCTCCTGAAATAGTGCAGTCGTGGTCATTCCTCAGTT-3'
Protein context (NP_002020.1, residues 1-16): METNS[Ser6Cys]LPTNISGGTP

ClinVar aggregate classification (germline): Uncertain significance (1 of 4 stars; one submission).

Conditions:
Gingival disorder. Also called: Gingival disease. Identifiers: MedGen C0017563, MONDO:0002021.

gnomAD v4.1: 1 of 1,611,588 alleles (0.000062%); highest among the groups gnomAD compares: Non-Finnish European, 0.000085%; no homozygotes.

Submission:

Labcorp Genetics (formerly Invitae), Labcorp
Classification: Uncertain significance for Gingival disorder. Last evaluated: 2024-10-19. Review status: criteria provided, single submitter. Criteria: Invitae Variant Classification Sherloc (09022015). Collection method: clinical testing. Allele origin: germline.
Comment: This sequence change replaces serine, which is neutral and polar, with cysteine, which is neutral and slightly polar, at codon 6 of the FPR1 protein (p.Ser6Cys). This variant is not present in population databases (gnomAD no frequency). This variant has not been reported in the literature in individuals affected with FPR1-related conditions. An algorithm developed to predict the effect of missense changes on protein structure and function (PolyPhen-2) suggests that this variant is likely to be disruptive. In summary, the available evidence is currently insufficient to determine the role of this variant in disease. Therefore, it has been classified as a Variant of Uncertain Significance.